The following is an entry in ClinVar:

ClinVar aggregate classification (germline): Pathogenic. Review status: criteria provided, multiple submitters, no conflicts (2 of 4 stars). 2 submissions from 2 submitters: Pathogenic (2). Last evaluated 2022-09-23.

Conditions:
Popliteal pterygium syndrome (PPS). Identifiers: Orphanet 294963, MedGen C0265259, MONDO:0017435.
Van der Woude syndrome. Identifiers: Orphanet 888, MedGen C0175697, MONDO:0019508.
Orofacial cleft 6, susceptibility to (OFC6). Also called: CLEFT LIP WITH OR WITHOUT CLEFT PALATE, NONSYNDROMIC, 6. Identifiers: MedGen C1837213, MONDO:0012141, OMIM 608864.

Submissions (2):

GeneDx
Classification: Pathogenic. Last evaluated: 2022-09-23. Review status: criteria provided, single submitter. Criteria: GeneDx Variant Classification Process June 2021. Collection method: clinical testing. Allele origin: germline. Affected: yes.
Comment: Published functional studies demonstrate a damaging effect due to inhibition of DNA binding (Little et al., 2009); Not observed at significant frequency in large population cohorts (gnomAD); In silico analysis supports that this missense variant has a deleterious effect on protein structure/function; This variant is associated with the following publications: (PMID: 16998136, 23394314, 12219090, 19036739, 27535533)

Labcorp Genetics (formerly Invitae), Labcorp
Classification: Pathogenic for Orofacial cleft 6, susceptibility to; Van der Woude syndrome; Popliteal pterygium syndrome. Last evaluated: 2020-08-04. Review status: criteria provided, single submitter. Criteria: Invitae Variant Classification Sherloc (09022015). Collection method: clinical testing. Allele origin: germline.
Comment: This variant is not present in population databases (ExAC no frequency). For these reasons, this variant has been classified as Pathogenic. Experimental studies have shown that this missense change inhibits the DNA-binding ability of the IRF6 protein (PMID: 19036739). This variant has been reported in several individuals affected with van der Woude syndrome (PMID: 12219090, 23394314, Invitae). ClinVar contains an entry for this variant (Variation ID: 265196). This sequence change replaces proline with serine at codon 76 of the IRF6 protein (p.Pro76Ser). The proline residue is highly conserved and there is a moderate physicochemical difference between proline and serine.

Literature cited by the submitters: PubMed 19036739 (cited by Labcorp Genetics (formerly Invitae), Labcorp); PubMed 12219090 (cited by Labcorp Genetics (formerly Invitae), Labcorp); PubMed 23394314 (cited by Labcorp Genetics (formerly Invitae), Labcorp).

NM_006147.4(IRF6):c.226C>T (p.Pro76Ser)

Gene: IRF6 (interferon regulatory factor 6; minus strand). Cytogenetic location: 1q32.2.
Variant type: single nucleotide variant.
Coding change: c.226C>T on transcript NM_006147.4 (MANE Select); coding-DNA position 226, C replaced by T.
Protein change: p.Pro76Ser; replaces proline 76 with serine.
Molecular consequence: missense variant. On other transcripts: 5 prime UTR variant (1).
Genome position (GRCh38, 1-based): chr1:209,796,501, G>A on the plus strand (C>T on the coding strand, the complement: IRF6 is on the minus strand). VCF-style: chr1-209796501-G-A. GRCh37 (hg19) VCF-style: chr1-209969846-G-A.
Other names: c.-60C>T (NM_001206696.2); short protein forms P76S.
Identifiers: ClinVar variation 265196 (VCV000265196.14), dbSNP rs886039388, ClinGen allele CA10588279.